The following is an entry in ClinVar:

ClinVar aggregate classification (germline): Uncertain significance (1 of 4 stars; one submission).

Submission:

Ambry Genetics
Classification: Uncertain significance. Last evaluated: 2024-06-30. Review status: criteria provided, single submitter. Criteria: Ambry Variant Classification Scheme 2023. Collection method: clinical testing. Allele origin: germline.
Comment: The p.N544Y variant (also known as c.1630A>T), located in coding exon 1 of the MLH3 gene, results from an A to T substitution at nucleotide position 1630. The asparagine at codon 544 is replaced by tyrosine, an amino acid with dissimilar properties. This amino acid position is conserved. In addition, this alteration is predicted to be tolerated by in silico analysis. Based on the available evidence, the clinical significance of this variant remains unclear.

NM_001040108.2(MLH3):c.1630A>T (p.Asn544Tyr)

Gene: MLH3 (mutL homolog 3; minus strand). Cytogenetic location: 14q24.3.
Variant type: single nucleotide variant.
Coding change: c.1630A>T on transcript NM_001040108.2 (MANE Select); coding-DNA position 1630, A replaced by T.
Protein change: p.Asn544Tyr; replaces asparagine 544 with tyrosine.
Molecular consequence: missense variant.
Genome position (GRCh38, 1-based): chr14:75,048,026, T>A on the plus strand (A>T on the coding strand, the complement: MLH3 is on the minus strand). VCF-style: chr14-75048026-T-A. GRCh37 (hg19) VCF-style: chr14-75514729-T-A.
Other names: c.1630A>T, p.Asn544Tyr (NM_014381.3); short protein forms N544Y.
Identifiers: ClinVar variation 3396658 (VCV003396658.1).